The following is an entry in ClinVar:

NM_003070.5(SMARCA2):c.1064C>G (p.Ala355Gly)

Gene: SMARCA2 (SWI/SNF related BAF chromatin remodeling complex subunit ATPase 2; plus strand). Cytogenetic location: 9p24.3.
Variant type: single nucleotide variant.
Coding change: c.1064C>G on transcript NM_003070.5 (MANE Select); coding-DNA position 1064, C replaced by G.
Protein change: p.Ala355Gly; replaces alanine 355 with glycine.
Molecular consequence: missense variant.
Genome position (GRCh38, 1-based): chr9:2,054,614, C>G. VCF-style: chr9-2054614-C-G. GRCh37 (hg19) VCF-style: chr9-2054614-C-G.
Other names: c.1064C>G, p.Ala355Gly (NM_001289396.2, NM_001289397.2, NM_139045.4); short protein forms A355G.
Identifiers: ClinVar variation 1308897 (VCV001308897.6), dbSNP rs1245060732, ClinGen allele CA372781279.
Genomic context (GRCh38, chr9:2,054,614, plus strand): 5'-TTTTTCCCCTGCCCCCTTTTCCCCATTTTATTGTTTCCTTTAGACTTCAGGCCCGCATAG[C>G]TCATAGGATACAAGAACTGGAAAATCTGCCTGGCTCTTTGCCACCAGATTTAAGAACCAA-3'
Protein context (NP_003061.3, residues 345-365): EREYRLQARI[Ala355Gly]HRIQELENLP

ClinVar aggregate classification (germline): Conflicting classifications of pathogenicity. Review status: criteria provided, conflicting classifications (1 of 4 stars). 2 submissions from 2 submitters: Uncertain significance (1); Likely benign (1). Last evaluated 2022-06-06.

Allele frequency attached by ClinVar (database versions not stated): gnomAD 0.00001.
gnomAD v4.1: 5 of 1,613,946 alleles (0.00031%); highest among the groups gnomAD compares: Admixed American, 0.005%; no homozygotes.

Submissions (2):

Labcorp Genetics (formerly Invitae), Labcorp
Classification: Likely benign. Last evaluated: 2022-06-06. Review status: criteria provided, single submitter. Criteria: Invitae Variant Classification Sherloc (09022015). Collection method: clinical testing. Allele origin: germline.

GeneDx
Classification: Uncertain significance. Last evaluated: 2019-10-04. Review status: criteria provided, single submitter. Criteria: GeneDx Variant Classification Process June 2021. Collection method: clinical testing. Allele origin: germline. Affected: yes.
Comment: In silico analysis, which includes protein predictors and evolutionary conservation, supports a deleterious effect; Has not been previously published as pathogenic or benign to our knowledge